The following is an entry in ClinVar:

NM_004281.4(BAG3):c.1199C>T (p.Thr400Ile)

Gene: BAG3 (BAG cochaperone 3; plus strand). Cytogenetic location: 10q26.11.
Variant type: single nucleotide variant.
Coding change: c.1199C>T on transcript NM_004281.4 (MANE Select); coding-DNA position 1199, C replaced by T.
Protein change: p.Thr400Ile; replaces threonine 400 with isoleucine.
Molecular consequence: missense variant.
Genome position (GRCh38, 1-based): chr10:119,676,753, C>T. VCF-style: chr10-119676753-C-T. GRCh37 (hg19) VCF-style: chr10-121436265-C-T.
Other names: short protein forms T400I.
Identifiers: ClinVar variation 410237 (VCV000410237.9), dbSNP rs1060502817, ClinGen allele CA16612849.
Genomic context (GRCh38, chr10:119,676,753, plus strand): 5'-CTTCTGCTGTCCCCTCTTCCCCCAAGAGTGTGGCTACAGAAGAGAGGGCAGCCCCCAGCA[C>T]TGCCCCTGCAGAAGCTACACCTCCAAAACCAGGAGAAGCCGAGGCTCCCCCAAAACATCC-3'
Protein context (NP_004272.2, residues 390-410): VATEERAAPS[Thr400Ile]APAEATPPKP

ClinVar aggregate classification (germline): Uncertain significance (1 of 4 stars; one submission).

Conditions:
Dilated cardiomyopathy 1HH (CMD1HH). Identifiers: Orphanet 154, MedGen C3151293, MONDO:0013479, OMIM 613881.
Myofibrillar myopathy 6. Identifiers: Orphanet 199340, MedGen C2751831, MONDO:0013061, OMIM 612954.

Allele frequency attached by ClinVar (database versions not stated): gnomAD exomes 0.00001.
gnomAD v4.1: 10 of 1,614,178 alleles (0.00062%); highest among the groups gnomAD compares: African/African-American, 0.0013%; no homozygotes.

Submission:

Labcorp Genetics (formerly Invitae), Labcorp
Classification: Uncertain significance for Dilated cardiomyopathy 1HH; Myofibrillar myopathy 6. Last evaluated: 2023-05-22. Review status: criteria provided, single submitter. Criteria: Invitae Variant Classification Sherloc (09022015). Collection method: clinical testing. Allele origin: germline.
Comment: This variant is not present in population databases (gnomAD no frequency). This sequence change replaces threonine, which is neutral and polar, with isoleucine, which is neutral and non-polar, at codon 400 of the BAG3 protein (p.Thr400Ile). This variant has not been reported in the literature in individuals affected with BAG3-related conditions. In summary, the available evidence is currently insufficient to determine the role of this variant in disease. Therefore, it has been classified as a Variant of Uncertain Significance. Advanced modeling of protein sequence and biophysical properties (such as structural, functional, and spatial information, amino acid conservation, physicochemical variation, residue mobility, and thermodynamic stability) performed at Invitae indicates that this missense variant is not expected to disrupt BAG3 protein function. ClinVar contains an entry for this variant (Variation ID: 410237).